The following is an entry in ClinVar:

ClinVar aggregate classification (germline): Uncertain significance. Review status: criteria provided, multiple submitters, no conflicts (2 of 4 stars). 2 submissions from 2 submitters: Uncertain significance (2). Last evaluated 2025-10-02.

Conditions:
Inborn genetic diseases. Identifiers: MedGen C0950123, MeSH D030342.
Congenital myasthenic syndrome 2A. Also called: Myasthenic syndrome, congenital, 2a, slow-channel. Identifiers: Orphanet 590, MedGen C4225374, MONDO:0014581, OMIM 616313.

Allele frequency attached by ClinVar (database versions not stated): ExAC 0.00001; gnomAD 0.00005 and 0.00006.

Submissions (2):

Labcorp Genetics (formerly Invitae), Labcorp
Classification: Uncertain significance for Congenital myasthenic syndrome 2A. Last evaluated: 2025-10-02. Review status: criteria provided, single submitter. Criteria: Invitae Variant Classification Sherloc (09022015). Collection method: clinical testing. Allele origin: germline.
Comment: This sequence change replaces glycine, which is neutral and non-polar, with arginine, which is basic and polar, at codon 200 of the CHRNB1 protein (p.Gly200Arg). This variant is present in population databases (rs149981394, gnomAD 0.006%). This variant has not been reported in the literature in individuals affected with CHRNB1-related conditions. ClinVar contains an entry for this variant (Variation ID: 1501358). Invitae Evidence Modeling of protein sequence and biophysical properties (such as structural, functional, and spatial information, amino acid conservation, physicochemical variation, residue mobility, and thermodynamic stability) indicates that this missense variant is not expected to disrupt CHRNB1 protein function with a negative predictive value of 80%. In summary, the available evidence is currently insufficient to determine the role of this variant in disease. Therefore, it has been classified as a Variant of Uncertain Significance.

Ambry Genetics
Classification: Uncertain significance for Inborn genetic diseases. Last evaluated: 2025-06-30. Review status: criteria provided, single submitter. Criteria: Ambry Variant Classification Scheme 2023. Collection method: clinical testing. Allele origin: germline.

NM_000747.3(CHRNB1):c.598G>A (p.Gly200Arg)

Gene: CHRNB1 (cholinergic receptor nicotinic beta 1 subunit; plus strand). Cytogenetic location: 17p13.1.
Variant type: single nucleotide variant.
Coding change: c.598G>A on transcript NM_000747.3 (MANE Select); coding-DNA position 598, G replaced by A.
Protein change: p.Gly200Arg; replaces glycine 200 with arginine.
Molecular consequence: missense variant.
Genome position (GRCh38, 1-based): chr17:7,447,638, G>A. VCF-style: chr17-7447638-G-A. GRCh37 (hg19) VCF-style: chr17-7350957-G-A.
Other names: c.598G>A (NM_000747.2); short protein forms G200R.
Identifiers: ClinVar variation 1501358 (VCV001501358.7), dbSNP rs149981394, ClinGen allele CA8347819.